The following is an entry in ClinVar:

ClinVar aggregate classification (germline): Uncertain significance (1 of 4 stars; one submission).

Conditions:
Inborn genetic diseases. Identifiers: MedGen C0950123, MeSH D030342.

gnomAD v4.1: 4 of 1,612,896 alleles (0.00025%); highest among the groups gnomAD compares: Non-Finnish European, 0.00034%; no homozygotes.

Submission:

Ambry Genetics
Classification: Uncertain significance for Inborn genetic diseases. Last evaluated: 2025-01-06. Review status: criteria provided, single submitter. Criteria: Ambry Variant Classification Scheme 2023. Collection method: clinical testing. Allele origin: germline.
Comment: The p.T18I variant (also known as c.53C>T), located in coding exon 2 of the ETV6 gene, results from a C to T substitution at nucleotide position 53. The threonine at codon 18 is replaced by isoleucine, an amino acid with similar properties. This amino acid position is conserved. In addition, this alteration is predicted to be tolerated by in silico analysis. Based on the available evidence, the clinical significance of this variant remains unclear.

NM_001987.5(ETV6):c.53C>T (p.Thr18Ile)

Gene: ETV6 (ETS variant transcription factor 6; plus strand). Cytogenetic location: 12p13.2.
Variant type: single nucleotide variant.
Coding change: c.53C>T on transcript NM_001987.5 (MANE Select); coding-DNA position 53, C replaced by T.
Protein change: p.Thr18Ile; replaces threonine 18 with isoleucine.
Molecular consequence: missense variant. On other transcripts: intron variant (1).
Genome position (GRCh38, 1-based): chr12:11,752,469, C>T. VCF-style: chr12-11752469-C-T. GRCh37 (hg19) VCF-style: chr12-11905403-C-T.
Other names: c.50C>T, p.Thr17Ile (NM_001413913.1); c.26C>T, p.Thr9Ile (NM_001413914.1); c.53C>T, p.Thr18Ile (NM_001413916.1, NM_001413917.1, NM_001413918.1); c.-101-86671C>T (NM_001413915.1); short protein forms T18I, T9I, T17I.
Identifiers: ClinVar variation 3846501 (VCV003846501.1).